The following is an entry in ClinVar:

NM_001127208.3(TET2):c.1379C>T (p.Ser460Phe)

Genes: TET2 (tet methylcytosine dioxygenase 2; plus strand), TET2-AS1 (TET2 antisense RNA 1; minus strand). Cytogenetic location: 4q24.
Variant type: single nucleotide variant.
Coding change: c.1379C>T on transcript NM_001127208.3 (MANE Select); coding-DNA position 1379, C replaced by T.
Protein change: p.Ser460Phe; replaces serine 460 with phenylalanine.
Molecular consequence: missense variant.
Genome position (GRCh38, 1-based): chr4:105,235,321, C>T. VCF-style: chr4-105235321-C-T. GRCh37 (hg19) VCF-style: chr4-106156478-C-T.
Other names: c.1379C>T, p.Ser460Phe (NM_017628.4); short protein forms S460F.
Identifiers: ClinVar variation 135310 (VCV000135310.4), dbSNP rs376570662, ClinGen allele CA162315.

ClinVar aggregate classification (germline): Uncertain significance. Review status: criteria provided, single submitter (1 of 4 stars). 2 submissions from 2 submitters: Uncertain significance (1). 1 of the submissions does not count toward it. Last evaluated 2025-12-08.

Allele frequency attached by ClinVar (database versions not stated): ESP Exome Variant Server 0.00008; ExAC 0.00011; gnomAD exomes 0.00012 and 0.00021; gnomAD 0.00017 and 0.00018; TOPMed 0.00017.
gnomAD v4.1: 325 of 1,613,834 alleles (0.02%); highest among the groups gnomAD compares: Non-Finnish European, 0.026%; no homozygotes.

Submissions (2):

Labcorp Genetics (formerly Invitae), Labcorp
Classification: Uncertain significance. Last evaluated: 2025-12-08. Review status: criteria provided, single submitter. Criteria: Invitae Variant Classification Sherloc (09022015). Collection method: clinical testing. Allele origin: germline.
Comment: This sequence change replaces serine, which is neutral and polar, with phenylalanine, which is neutral and non-polar, at codon 460 of the TET2 protein (p.Ser460Phe). This variant is present in population databases (rs376570662, gnomAD 0.03%). This variant has not been reported in the literature in individuals affected with TET2-related conditions. ClinVar contains an entry for this variant (Variation ID: 135310). An algorithm developed to predict the effect of missense changes on protein structure and function (PolyPhen-2) suggests that this variant is likely to be tolerated. In summary, the available evidence is currently insufficient to determine the role of this variant in disease. Therefore, it has been classified as a Variant of Uncertain Significance.

ITMI
No classification provided. Condition: AllHighlyPenetrant. Last evaluated: 2013-09-19. Review status: no classification provided. Collection method: reference population. Allele origin: germline. Not counted in ClinVar's aggregate classification.
Comment: Please see associated publication for description of ethnicities

Literature cited by the submitters: PubMed 24728327 (cited by ITMI).